The following is an entry in ClinVar:

ClinVar aggregate classification (germline): Uncertain significance. Review status: criteria provided, multiple submitters, no conflicts (2 of 4 stars). 2 submissions from 2 submitters: Uncertain significance (2). Last evaluated 2026-07-13.

Conditions:
Cardiovascular phenotype. Identifiers: MedGen CN230736.
Dilated cardiomyopathy 1W (CMD1W). Identifiers: Orphanet 154, MedGen C1969639, MONDO:0012667, OMIM 611407.

Allele frequency attached by ClinVar (database versions not stated): gnomAD exomes below 0.00001.
gnomAD v4.1: 1 of 1,614,220 alleles (0.000062%); highest among the groups gnomAD compares: African/African-American, 0.0013%; no homozygotes.

Submissions (2):

Ambry Genetics
Classification: Uncertain significance for Cardiovascular phenotype. Last evaluated: 2026-07-13. Review status: criteria provided, single submitter. Criteria: Ambry Variant Classification Scheme 2023. Collection method: clinical testing. Allele origin: germline.
Comment: The p.I717V variant (also known as c.2149A>G), located in coding exon 16 of the VCL gene, results from an A to G substitution at nucleotide position 2149. The isoleucine at codon 717 is replaced by valine, an amino acid with highly similar properties. This amino acid position is conserved. In addition, this alteration is predicted to be tolerated by in silico analysis. Based on the available evidence, the clinical significance of this variant remains unclear.

Labcorp Genetics (formerly Invitae), Labcorp
Classification: Uncertain significance for Dilated cardiomyopathy 1W. Last evaluated: 2023-02-21. Review status: criteria provided, single submitter. Criteria: Invitae Variant Classification Sherloc (09022015). Collection method: clinical testing. Allele origin: germline.
Comment: In summary, the available evidence is currently insufficient to determine the role of this variant in disease. Therefore, it has been classified as a Variant of Uncertain Significance. An algorithm developed to predict the effect of missense changes on protein structure and function (PolyPhen-2) suggests that this variant is likely to be disruptive. ClinVar contains an entry for this variant (Variation ID: 1053124). This variant has not been reported in the literature in individuals affected with VCL-related conditions. This variant is not present in population databases (gnomAD no frequency). This sequence change replaces isoleucine, which is neutral and non-polar, with valine, which is neutral and non-polar, at codon 717 of the VCL protein (p.Ile717Val).

NM_014000.3(VCL):c.2149A>G (p.Ile717Val)

Gene: VCL (vinculin; plus strand). Cytogenetic location: 10q22.2.
Variant type: single nucleotide variant.
Coding change: c.2149A>G on transcript NM_014000.3 (MANE Select); coding-DNA position 2149, A replaced by G.
Protein change: p.Ile717Val; replaces isoleucine 717 with valine.
Molecular consequence: missense variant.
Genome position (GRCh38, 1-based): chr10:74,105,068, A>G. VCF-style: chr10-74105068-A-G. GRCh37 (hg19) VCF-style: chr10-75864826-A-G.
Other names: c.2149A>G, p.Ile717Val (NM_003373.4); c.2149A>G (NM_014000.2); short protein forms I717V.
Identifiers: ClinVar variation 1053124 (VCV001053124.8), dbSNP rs2131928288, ClinGen allele CA377261603.
Genomic context (GRCh38, chr10:74,105,068, plus strand): 5'-TCTTCTAAATTGAAACTAAATTCCATTTCTGTTTTCCTAACAGGGCTGGTGGACGAAGCC[A>G]TTGATACCAAATCTCTGTTGGATGCTTCAGAAGAAGCAATTAAAAAAGACCTGGACAAGT-3'
Protein context (NP_054706.1, residues 707-727): EKMTGLVDEA[Ile717Val]DTKSLLDASE